The following is an entry in ClinVar:

NM_031935.3(HMCN1):c.14926C>T (p.Arg4976Trp)

Gene: HMCN1 (hemicentin 1; plus strand). Cytogenetic location: 1q31.1.
Variant type: single nucleotide variant.
Coding change: c.14926C>T on transcript NM_031935.3 (MANE Select); coding-DNA position 14926, C replaced by T.
Protein change: p.Arg4976Trp; replaces arginine 4976 with tryptophan.
Molecular consequence: missense variant.
Genome position (GRCh38, 1-based): chr1:186,152,779, C>T. VCF-style: chr1-186152779-C-T. GRCh37 (hg19) VCF-style: chr1-186121911-C-T.
Other names: short protein forms R4976W.
Identifiers: ClinVar variation 1434425 (VCV001434425.6), dbSNP rs760875305, ClinGen allele CA1295105.

ClinVar aggregate classification (germline): Uncertain significance (1 of 4 stars; one submission).

Allele frequency attached by ClinVar (database versions not stated): gnomAD exomes 0.00003 and 0.00004; ExAC 0.00005; gnomAD 0.00008 and 0.00009; TOPMed 0.00012.
gnomAD v4.1: 48 of 1,613,722 alleles (0.003%); highest among the groups gnomAD compares: Admixed American, 0.017%; no homozygotes.

Submission:

Labcorp Genetics (formerly Invitae), Labcorp
Classification: Uncertain significance. Last evaluated: 2024-10-15. Review status: criteria provided, single submitter. Criteria: Invitae Variant Classification Sherloc (09022015). Collection method: clinical testing. Allele origin: germline.
Comment: This sequence change replaces arginine, which is basic and polar, with tryptophan, which is neutral and slightly polar, at codon 4976 of the HMCN1 protein (p.Arg4976Trp). This variant is present in population databases (rs760875305, gnomAD 0.02%). This variant has not been reported in the literature in individuals affected with HMCN1-related conditions. ClinVar contains an entry for this variant (Variation ID: 1434425). An algorithm developed to predict the effect of missense changes on protein structure and function (PolyPhen-2) suggests that this variant is likely to be disruptive. In summary, the available evidence is currently insufficient to determine the role of this variant in disease. Therefore, it has been classified as a Variant of Uncertain Significance.